The following is an entry in ClinVar:

ClinVar aggregate classification (germline): Uncertain significance (1 of 4 stars; one submission).

Conditions:
Joubert syndrome. Also called: CEREBELLOPARENCHYMAL DISORDER IV; JOUBERT-BOLTSHAUSER SYNDROME; Familial aplasia of the vermis. Identifiers: Orphanet 475, MedGen C5979921, MONDO:0018772.
Meckel-Gruber syndrome. Also called: DYSENCEPHALIA SPLANCHNOCYSTICA; GRUBER SYNDROME; Dysencephalia splachnocystica. Identifiers: Orphanet 564, MedGen C0265215, MONDO:0018921.

Submission:

Labcorp Genetics (formerly Invitae), Labcorp
Classification: Uncertain significance for Joubert syndrome; Meckel-Gruber syndrome. Last evaluated: 2021-07-21. Review status: criteria provided, single submitter. Criteria: Invitae Variant Classification Sherloc (09022015). Collection method: clinical testing. Allele origin: germline.
Comment: This variant is a gross deletion of the genomic region encompassing exon(s) 18 of the TCTN2 gene, which includes the termination codon. This deletion extends beyond the assayed region for this gene and therefore may encompass additional genes. While this deletion is not anticipated to lead to nonsense mediated decay, it is expected to alter mRNA translation or result in a truncated protein product. This variant has not been reported in the literature in individuals affected with TCTN2-related conditions. In summary, the available evidence is currently insufficient to determine the role of this variant in disease. Therefore, it has been classified as a Variant of Uncertain Significance.

NC_000012.11:g.(?_124192131)_(124192260_?)del

Gene: TCTN2 (tectonic family member 2; plus strand). Cytogenetic location: 12q24.31.
Variant type: Deletion.
Identifiers: ClinVar variation 1412474 (VCV001412474.6).